The following is an entry in ClinVar:

NM_000236.3(LIPC):c.544G>A (p.Gly182Ser)

Gene: LIPC (lipase C, hepatic type; plus strand). Cytogenetic location: 15q21.3.
Variant type: single nucleotide variant.
Coding change: c.544G>A on transcript NM_000236.3 (MANE Select); coding-DNA position 544, G replaced by A.
Protein change: p.Gly182Ser; replaces glycine 182 with serine.
Molecular consequence: missense variant.
Genome position (GRCh38, 1-based): chr15:58,542,621, G>A. VCF-style: chr15-58542621-G-A. GRCh37 (hg19) VCF-style: chr15-58834820-G-A.
Other names: short protein forms G182S.
Identifiers: ClinVar variation 1906985 (VCV001906985.5), dbSNP rs188353743, ClinGen allele CA7584896.

ClinVar aggregate classification (germline): Uncertain significance (1 of 4 stars; one submission).

Allele frequency attached by ClinVar (database versions not stated): gnomAD exomes 0.00004; TOPMed 0.00005; ExAC 0.00007; ESP Exome Variant Server 0.00008; gnomAD 0.00008; 1000 Genomes Project 30x 0.00047; 1000 Genomes Project 0.00060.
gnomAD v4.1: 74 of 1,613,288 alleles (0.0046%); highest among the groups gnomAD compares: East Asian, 0.022%; no homozygotes.

Submission:

Labcorp Genetics (formerly Invitae), Labcorp
Classification: Uncertain significance. Last evaluated: 2023-07-28. Review status: criteria provided, single submitter. Criteria: Invitae Variant Classification Sherloc (09022015). Collection method: clinical testing. Allele origin: germline.
Comment: In summary, the available evidence is currently insufficient to determine the role of this variant in disease. Therefore, it has been classified as a Variant of Uncertain Significance. Advanced modeling of protein sequence and biophysical properties (such as structural, functional, and spatial information, amino acid conservation, physicochemical variation, residue mobility, and thermodynamic stability) performed at Invitae indicates that this missense variant is not expected to disrupt LIPC protein function. ClinVar contains an entry for this variant (Variation ID: 1906985). This variant has not been reported in the literature in individuals affected with LIPC-related conditions. This variant is present in population databases (rs188353743, gnomAD 0.03%). This sequence change replaces glycine, which is neutral and non-polar, with serine, which is neutral and polar, at codon 182 of the LIPC protein (p.Gly182Ser).